The following is an entry in ClinVar:

NM_001042492.3(NF1):c.3227dup (p.Val1077fs)

Gene: NF1 (neurofibromin 1; plus strand). Cytogenetic location: 17q11.2.
Variant type: Duplication.
Coding change: c.3227dup on transcript NM_001042492.3 (MANE Select); coding-DNA position 3227, one base duplicated (T; older notation c.3227dupT).
Protein change: p.Val1077fs; shifts the reading frame from valine 1077.
Molecular consequence: frameshift variant.
Genome position (GRCh38, 1-based): chr17:31,232,102, T duplicated. VCF-style (leftmost placement, unchanged base first): chr17-31232101-G-GT. GRCh37 (hg19) VCF-style: chr17-29559119-G-GT.
Other names: c.3227dupT (NM_000267.3); c.3227dup, p.Val1077Serfs (NM_000267.4); short protein forms V1077fs.
Identifiers: ClinVar variation 823237 (VCV000823237.4), dbSNP rs1597718765, ClinGen allele CA915949871.

ClinVar aggregate classification (germline): Pathogenic (1 of 4 stars; one submission).

Conditions:
Cardiovascular phenotype. Identifiers: MedGen CN230736.
Hereditary cancer-predisposing syndrome. Also called: Tumor predisposition; Hereditary Cancer Syndrome; Neoplastic Syndromes, Hereditary; Hereditary neoplastic syndrome. Identifiers: Orphanet 140162, MedGen C0027672, MeSH D009386, MONDO:0015356.

Submission:

Ambry Genetics
Classification: Pathogenic for Cardiovascular phenotype; Hereditary cancer-predisposing syndrome. Last evaluated: 2018-10-11. Review status: criteria provided, single submitter. Criteria: Ambry Variant Classification Scheme 2023. Collection method: clinical testing. Allele origin: germline.
Comment: The c.3227dupT pathogenic mutation, located in coding exon 25 of the NF1 gene, results from a duplication of T at nucleotide position 3227, causing a translational frameshift with a predicted alternate stop codon (p.V1077Sfs*12). This alteration is expected to result in loss of function by premature protein truncation or nonsense-mediated mRNA decay. As such, this alteration is interpreted as a disease-causing mutation.